The following is an entry in ClinVar:

ClinVar aggregate classification (germline): Conflicting classifications of pathogenicity. Review status: criteria provided, conflicting classifications (1 of 4 stars). 9 submissions from 9 submitters: Uncertain significance (1); Benign (1); Likely benign (5). 2 of the submissions do not count toward it. Last evaluated 2026-01-12.

Conditions:
Inborn genetic diseases. Identifiers: MedGen C0950123, MeSH D030342.
Kufor-Rakeb syndrome (KRS). Also called: PARKINSON DISEASE 9, AUTOSOMAL RECESSIVE, JUVENILE-ONSET. Identifiers: Orphanet 306674, Orphanet 314632, MedGen C1847640, MONDO:0011706, OMIM 606693.
Autosomal recessive spastic paraplegia type 78. Identifiers: Orphanet 513436, MedGen C5567893, MONDO:0014975, OMIM 617225.
ATP13A2-related disorder. Also called: ATP13A2-related disorders; ATP13A2-related condition.

Allele frequency attached by ClinVar (database versions not stated): ESP Exome Variant Server 0.00015; 1000 Genomes Project 30x 0.00016; 1000 Genomes Project 0.00020; ExAC 0.00031; gnomAD exomes 0.00033 and 0.00042; gnomAD 0.00034; TOPMed 0.00039.
gnomAD v4.1: 663 of 1,612,586 alleles (0.041%); highest among the groups gnomAD compares: Middle Eastern, 0.066%; 1 homozygote.

Submissions (9):

Labcorp Genetics (formerly Invitae), Labcorp
Classification: Likely benign for Kufor-Rakeb syndrome; Autosomal recessive spastic paraplegia type 78. Last evaluated: 2026-01-12. Review status: criteria provided, single submitter. Criteria: Invitae Variant Classification Sherloc (09022015). Collection method: clinical testing. Allele origin: germline.

CeGaT Center for Human Genetics Tuebingen
Classification: Likely benign. Last evaluated: 2025-12-01. Review status: criteria provided, single submitter. Criteria: CeGaT Center For Human Genetics Tuebingen Variant Classification Criteria Version 2. Collection method: clinical testing. Allele origin: germline. Affected: yes. Observed: 3 variant alleles.
Comment: ATP13A2: BP4, BP7

Blueprint Genetics
Classification: Likely benign. Last evaluated: 2024-11-22. Review status: criteria provided, single submitter. Criteria: ACMG Guidelines, 2015. Collection method: clinical testing. Allele origin: germline.

GeneDx
Classification: Likely benign. Last evaluated: 2020-02-06. Review status: criteria provided, single submitter. Criteria: GeneDx Variant Classification Process June 2021. Collection method: clinical testing. Allele origin: germline. Affected: yes.

Illumina Laboratory Services, Illumina
Classification: Uncertain significance for Kufor-Rakeb syndrome. Last evaluated: 2018-01-13. Review status: criteria provided, single submitter. Criteria: ICSL Variant Classification Criteria 13 December 2019. Collection method: clinical testing. Allele origin: germline.

Athena Diagnostics
Classification: Benign. Last evaluated: 2017-12-19. Review status: criteria provided, single submitter. Criteria: Athena Diagnostics Criteria. Collection method: clinical testing. Allele origin: germline.

Ambry Genetics
Classification: Likely benign for Inborn genetic diseases. Last evaluated: 2016-12-27. Review status: criteria provided, single submitter. Criteria: Ambry Variant Classification Scheme 2023. Collection method: clinical testing. Allele origin: germline.

PreventionGenetics, part of Exact Sciences
Classification: Likely benign for ATP13A2-related condition. Last evaluated: 2019-11-26. Review status: no assertion criteria provided. Collection method: clinical testing. Allele origin: germline. Not counted in ClinVar's aggregate classification.
Comment: This variant is classified as likely benign based on ACMG/AMP sequence variant interpretation guidelines (Richards et al. 2015 PMID: 25741868, with internal and published modifications).

Mayo Clinic Laboratories, Mayo Clinic
Classification: Likely benign. Last evaluated: 2015-12-16. Review status: no assertion criteria provided. Collection method: clinical testing. Allele origin: unknown. Not counted in ClinVar's aggregate classification.

NM_022089.4(ATP13A2):c.1926G>A (p.Ala642=)

Gene: ATP13A2 (ATPase cation transporting 13A2; minus strand). Cytogenetic location: 1p36.13.
Variant type: single nucleotide variant.
Coding change: c.1926G>A on transcript NM_022089.4 (MANE Select); coding-DNA position 1926, G replaced by A.
Protein change: p.Ala642=; no amino-acid change (alanine 642 retained).
Molecular consequence: synonymous variant.
Genome position (GRCh38, 1-based): chr1:16,992,322, C>T on the plus strand (G>A on the coding strand, the complement: ATP13A2 is on the minus strand). VCF-style: chr1-16992322-C-T. GRCh37 (hg19) VCF-style: chr1-17318817-C-T.
Other names: c.1911G>A, p.Ala637= (NM_001141973.3, NM_001141974.3).
Identifiers: ClinVar variation 293787 (VCV000293787.66), dbSNP rs200916673, ClinGen allele CA637033.